The following is an entry in ClinVar:

ClinVar aggregate classification (germline): Pathogenic (1 of 4 stars; one submission).

Conditions:
Neurofibromatosis, type 1 (NF1). Also called: VON RECKLINGHAUSEN DISEASE; Peripheral type neurofibromatosis; NEUROFIBROMATOSIS, TYPE I, SOMATIC; Neurofibromatosis, type I. Identifiers: Orphanet 636, MedGen C0027831, MONDO:0018975, OMIM 162200. Disease mechanism: loss of function.

Submission:

Labcorp Genetics (formerly Invitae), Labcorp
Classification: Pathogenic for Neurofibromatosis, type 1. Last evaluated: 2025-11-13. Review status: criteria provided, single submitter. Criteria: Invitae Variant Classification Sherloc (09022015). Collection method: clinical testing. Allele origin: germline.
Comment: This sequence change creates a premature translational stop signal (p.Met2053Ilefs*8) in the NF1 gene. It is expected to result in an absent or disrupted protein product. Loss-of-function variants in NF1 are known to be pathogenic (PMID: 10712197, 23913538). This variant is not present in population databases (gnomAD no frequency). This variant has not been reported in the literature in individuals affected with NF1-related conditions. Algorithms developed to predict the effect of sequence changes on RNA splicing suggest that this variant may disrupt the consensus splice site. For these reasons, this variant has been classified as Pathogenic.

Literature cited by the submitters: PubMed 10712197; PubMed 23913538.

NM_001042492.3(NF1):c.6222del (p.Met2074fs)

Gene: NF1 (neurofibromin 1; plus strand). Cytogenetic location: 17q11.2.
Variant type: Deletion.
Coding change: c.6222del on transcript NM_001042492.3 (MANE Select); coding-DNA position 6222, one base deleted (G; older notation c.6222delG).
Protein change: p.Met2074fs; shifts the reading frame from methionine 2074.
Molecular consequence: frameshift variant.
Genome position (GRCh38, 1-based): chr17:31,336,709, G deleted. VCF-style (leftmost placement, unchanged base first): chr17-31336708-TG-T. GRCh37 (hg19) VCF-style: chr17-29663726-TG-T.
Other names: c.6159del, p.Met2053fs (NM_000267.4); short protein forms M2053fs, M2074fs.
Identifiers: ClinVar variation 4731158 (VCV004731158.1).